The following is an entry in ClinVar:

NM_002335.4(LRP5):c.3874G>A (p.Glu1292Lys)

Gene: LRP5 (LDL receptor related protein 5; plus strand). Cytogenetic location: 11q13.2.
Variant type: single nucleotide variant.
Coding change: c.3874G>A on transcript NM_002335.4 (MANE Select); coding-DNA position 3874, G replaced by A.
Protein change: p.Glu1292Lys; replaces glutamic acid 1292 with lysine.
Molecular consequence: missense variant.
Genome position (GRCh38, 1-based): chr11:68,433,712, G>A. VCF-style: chr11-68433712-G-A. GRCh37 (hg19) VCF-style: chr11-68201180-G-A.
Other names: c.2131G>A, p.Glu711Lys (NM_001291902.2); c.3874G>A (NM_002335.3, NM_002335.2); short protein forms E1292K, E711K.
Identifiers: ClinVar variation 1941511 (VCV001941511.7), dbSNP rs761279762, ClinGen allele CA6150138.
Genomic context (GRCh38, chr11:68,433,712, plus strand): 5'-GACTGTATCCCCGGGGCCTGGCGCTGTGACGGCTTTCCCGAGTGCGATGACCAGAGCGAC[G>A]AGGAGGGCTGCCCCGTGTGCTCCGCCGCCCAGTTCCCCTGCGCGCGGGGTCAGTGTGTGG-3'
Protein context (NP_002326.2, residues 1282-1302): GFPECDDQSD[Glu1292Lys]EGCPVCSAAQ

ClinVar aggregate classification (germline): Uncertain significance. Review status: criteria provided, multiple submitters, no conflicts (2 of 4 stars). 3 submissions from 3 submitters: Uncertain significance (3). Last evaluated 2026-09-23.

Conditions:
Inborn genetic diseases. Identifiers: MedGen C0950123, MeSH D030342.
LRP5-related disorder. Also called: LRP5-related condition.

Allele frequency attached by ClinVar (database versions not stated): gnomAD exomes below 0.00001; ExAC 0.00002.
gnomAD v4.1: 5 of 1,613,014 alleles (0.00031%); highest among the groups gnomAD compares: Non-Finnish European, 0.00042%; no homozygotes.

Submissions (3):

PreventionGenetics, part of Exact Sciences
Classification: Uncertain significance for LRP5-related condition. Last evaluated: 2026-09-23. Review status: criteria provided, single submitter. Criteria: ACMG Guidelines, 2015. Collection method: clinical testing. Allele origin: germline.
Comment: The LRP5 c.3874G>A variant is predicted to result in the amino acid substitution p.Glu1292Lys. To our knowledge, this variant has not been reported in the literature. This missense variant is predicted to be damaging to the encoded protein (REVEL score >0.773, Ioannidis et al. 2016. PubMed ID: 27666373). This variant is present in 0.0018% of alleles in individuals of European (Non-Finnish) descent in gnomAD. Although we suspect that this variant may be pathogenic, at this time, the clinical significance of this variant is uncertain due to the absence of conclusive functional and genetic evidence.

Ambry Genetics
Classification: Uncertain significance for Inborn genetic diseases. Last evaluated: 2024-07-22. Review status: criteria provided, single submitter. Criteria: Ambry Variant Classification Scheme 2023. Collection method: clinical testing. Allele origin: germline.

Labcorp Genetics (formerly Invitae), Labcorp
Classification: Uncertain significance. Last evaluated: 2024-02-27. Review status: criteria provided, single submitter. Criteria: Invitae Variant Classification Sherloc (09022015). Collection method: clinical testing. Allele origin: germline.
Comment: This sequence change replaces glutamic acid, which is acidic and polar, with lysine, which is basic and polar, at codon 1292 of the LRP5 protein (p.Glu1292Lys). This variant is present in population databases (rs761279762, gnomAD 0.002%). This variant has not been reported in the literature in individuals affected with LRP5-related conditions. ClinVar contains an entry for this variant (Variation ID: 1941511). Advanced modeling of protein sequence and biophysical properties (such as structural, functional, and spatial information, amino acid conservation, physicochemical variation, residue mobility, and thermodynamic stability) has been performed at Invitae for this missense variant, however the output from this modeling did not meet the statistical confidence thresholds required to predict the impact of this variant on LRP5 protein function. In summary, the available evidence is currently insufficient to determine the role of this variant in disease. Therefore, it has been classified as a Variant of Uncertain Significance.